The following is an entry in ClinVar:

ClinVar aggregate classification (germline): Uncertain significance (1 of 4 stars; one submission).

Conditions:
Multiple acyl-CoA dehydrogenase deficiency (MADD). Also called: Glutaric aciduria, type 2; Glutaric acidemia type II; GA 2; Glutaric Acidemia type 2; ETHYLMALONIC-ADIPICACIDURIA; GA II. Identifiers: Orphanet 26791, MedGen C0268596, MONDO:0009282, OMIM 231680.

gnomAD v4.1: 1 of 1,604,090 alleles (0.000062%); highest among the groups gnomAD compares: Non-Finnish European, 0.000085%; no homozygotes.

Submission:

Labcorp Genetics (formerly Invitae), Labcorp
Classification: Uncertain significance for Multiple acyl-CoA dehydrogenase deficiency. Last evaluated: 2024-12-02. Review status: criteria provided, single submitter. Criteria: Invitae Variant Classification Sherloc (09022015). Collection method: clinical testing. Allele origin: germline.
Comment: This sequence change replaces methionine, which is neutral and non-polar, with arginine, which is basic and polar, at codon 290 of the ETFA protein (p.Met290Arg). This variant is not present in population databases (gnomAD no frequency). This variant has not been reported in the literature in individuals affected with ETFA-related conditions. Invitae Evidence Modeling of protein sequence and biophysical properties (such as structural, functional, and spatial information, amino acid conservation, physicochemical variation, residue mobility, and thermodynamic stability) indicates that this missense variant is expected to disrupt ETFA protein function with a positive predictive value of 80%. In summary, the available evidence is currently insufficient to determine the role of this variant in disease. Therefore, it has been classified as a Variant of Uncertain Significance.

NM_000126.4(ETFA):c.869T>G (p.Met290Arg)

Gene: ETFA (electron transfer flavoprotein subunit alpha; minus strand). Cytogenetic location: 15q24.2.
Variant type: single nucleotide variant.
Coding change: c.869T>G on transcript NM_000126.4 (MANE Select); coding-DNA position 869, T replaced by G.
Protein change: p.Met290Arg; replaces methionine 290 with arginine.
Molecular consequence: missense variant.
Genome position (GRCh38, 1-based): chr15:76,231,346, A>C on the plus strand (T>G on the coding strand, the complement: ETFA is on the minus strand). VCF-style: chr15-76231346-A-C. GRCh37 (hg19) VCF-style: chr15-76523687-A-C.
Other names: c.722T>G, p.Met241Arg (NM_001127716.2); short protein forms M241R, M290R.
Identifiers: ClinVar variation 3620521 (VCV003620521.2).